The following is an entry in ClinVar:

NM_001372044.2(SHANK3):c.3499A>G (p.Thr1167Ala)

Gene: SHANK3 (SH3 and multiple ankyrin repeat domains 3; plus strand). Cytogenetic location: 22q13.33.
Variant type: single nucleotide variant.
Coding change: c.3499A>G on transcript NM_001372044.2 (MANE Select); coding-DNA position 3499, A replaced by G.
Protein change: p.Thr1167Ala; replaces threonine 1167 with alanine.
Molecular consequence: missense variant.
Genome position (GRCh38, 1-based): chr22:50,721,107, A>G. VCF-style: chr22-50721107-A-G. GRCh37 (hg19) VCF-style: chr22-51159535-A-G.
Other names: c.3274A>G (NM_033517.1); short protein forms T1167A.
Identifiers: ClinVar variation 3253006 (VCV003253006.1), dbSNP rs2518427520.

ClinVar aggregate classification (germline): Uncertain significance (1 of 4 stars; one submission).

Submission:

GeneDx
Classification: Uncertain significance. Last evaluated: 2023-12-09. Review status: criteria provided, single submitter. Criteria: GeneDx Variant Classification Process June 2021. Collection method: clinical testing. Allele origin: germline. Affected: yes.
Comment: Not observed at significant frequency in large population cohorts (gnomAD); In silico analysis supports that this missense variant has a deleterious effect on protein structure/function; Has not been previously published as pathogenic or benign to our knowledge